The following is an entry in ClinVar:

ClinVar aggregate classification (germline): Conflicting classifications of pathogenicity. Review status: criteria provided, conflicting classifications (1 of 4 stars). 6 submissions from 6 submitters: Uncertain significance (5); Likely benign (1). Last evaluated 2025-07-29.

Conditions:
Hereditary cancer-predisposing syndrome. Also called: Neoplastic Syndromes, Hereditary; Tumor predisposition; Hereditary Cancer Syndrome; Hereditary neoplastic syndrome. Identifiers: Orphanet 140162, MedGen C0027672, MeSH D009386, MONDO:0015356.
Hereditary breast ovarian cancer syndrome. Also called: Hereditary breast and/or ovarian cancer syndrome; BRCA1- and BRCA2-Associated Hereditary Breast and Ovarian Cancer; Hereditary breast and ovarian cancer syndrome; Hereditary breast and ovarian cancer; Hereditary breast and ovarian cancer syndrome (HBOC); Breast and ovarian cancer. Identifiers: Orphanet 145, MedGen C0677776, MeSH D061325, MONDO:0003582. Disease mechanism: loss of function.

Allele frequency attached by ClinVar (database versions not stated): gnomAD exomes below 0.00001; TOPMed below 0.00001.
gnomAD v4.1: 1 of 1,614,108 alleles (0.000062%); highest among the groups gnomAD compares: African/African-American, 0.0013%; no homozygotes.

Submissions (6):

Labcorp Genetics (formerly Invitae), Labcorp
Classification: Uncertain significance for Hereditary breast ovarian cancer syndrome. Last evaluated: 2025-07-29. Review status: criteria provided, single submitter. Criteria: Invitae Variant Classification Sherloc (09022015). Collection method: clinical testing. Allele origin: germline.
Comment: This sequence change replaces lysine, which is basic and polar, with arginine, which is basic and polar, at codon 614 of the BRCA1 protein (p.Lys614Arg). This variant is not present in population databases (gnomAD no frequency). This variant has not been reported in the literature in individuals affected with BRCA1-related conditions. ClinVar contains an entry for this variant (Variation ID: 820172). Invitae Evidence Modeling of protein sequence and biophysical properties (such as structural, functional, and spatial information, amino acid conservation, physicochemical variation, residue mobility, and thermodynamic stability) indicates that this missense variant is not expected to disrupt BRCA1 protein function with a negative predictive value of 80%. In summary, the available evidence is currently insufficient to determine the role of this variant in disease. Therefore, it has been classified as a Variant of Uncertain Significance.

Ambry Genetics
Classification: Uncertain significance for Hereditary cancer-predisposing syndrome. Last evaluated: 2024-04-19. Review status: criteria provided, single submitter. Criteria: Ambry Variant Classification Scheme 2023. Collection method: clinical testing. Allele origin: germline.
Comment: The p.K614R variant (also known as c.1841A>G), located in coding exon 9 of the BRCA1 gene, results from an A to G substitution at nucleotide position 1841. The lysine at codon 614 is replaced by arginine, an amino acid with highly similar properties. This amino acid position is well conserved in available vertebrate species. In addition, the in silico prediction for this alteration is inconclusive. Since supporting evidence is limited at this time, the clinical significance of this alteration remains unclear.

Women's Health and Genetics/Laboratory Corporation of America, LabCorp
Classification: Uncertain significance. Last evaluated: 2024-01-07. Review status: criteria provided, single submitter. Criteria: LabCorp Variant Classification Summary - May 2015. Collection method: clinical testing. Allele origin: germline.

University of Washington Department of Laboratory Medicine, University of Washington
Classification: Likely benign for Hereditary cancer-predisposing syndrome. Last evaluated: 2023-03-23. Review status: criteria provided, single submitter. Criteria: Dines et al. (Genet Med. 2020). Collection method: curation. Allele origin: germline.
Comment: Missense variant in a coldspot region where missense variants are very unlikely to be pathogenic (PMID:31911673).

BRCA1 coldspot (exon 11 using historical exon numbering). Reclassification based on statistical prior probability

Quest Diagnostics Nichols Institute San Juan Capistrano
Classification: Uncertain significance. Last evaluated: 2021-06-25. Review status: criteria provided, single submitter. Criteria: Quest Diagnostics criteria. Collection method: clinical testing. Allele origin: unknown.

GeneDx
Classification: Uncertain significance. Last evaluated: 2020-11-16. Review status: criteria provided, single submitter. Criteria: GeneDx Variant Classification Process June 2021. Collection method: clinical testing. Allele origin: germline. Affected: yes.
Comment: Not observed in large population cohorts (Lek 2016); In silico analysis supports that this missense variant has a deleterious effect on protein structure/function; Has not been previously published as pathogenic or benign to our knowledge; Also known as 1960A>G

NM_007294.4(BRCA1):c.1841A>G (p.Lys614Arg)

Gene: BRCA1 (BRCA1 DNA repair associated; minus strand). Cytogenetic location: 17q21.31.
Variant type: single nucleotide variant.
Coding change: c.1841A>G on transcript NM_007294.4 (MANE Select); coding-DNA position 1841, A replaced by G.
Protein change: p.Lys614Arg; replaces lysine 614 with arginine.
Molecular consequence: missense variant. On other transcripts: intron variant (137).
Genome position (GRCh38, 1-based): chr17:43,093,690, T>C on the plus strand (A>G on the coding strand, the complement: BRCA1 is on the minus strand). VCF-style: chr17-43093690-T-C. GRCh37 (hg19) VCF-style: chr17-41245707-T-C.
Other names: c.283+1054A>G (NM_001408512.1); c.1628A>G, p.Lys543Arg (NM_001407571.1, NM_001407853.1, NM_001407894.1 and 9 more transcripts); c.1841A>G, p.Lys614Arg (NM_001407581.1, NM_001407582.1, NM_001407583.1 and 30 more transcripts); c.1838A>G, p.Lys613Arg (NM_001407587.1, NM_001407590.1, NM_001407591.1 and 22 more transcripts); c.1832A>G, p.Lys611Arg (NM_001407646.1, NM_001407647.1); c.1718A>G, p.Lys573Arg (NM_001407648.1, NM_001407664.1, NM_001407665.1 and 19 more transcripts); c.1715A>G, p.Lys572Arg (NM_001407649.1, NM_001407670.1, NM_001407671.1 and 11 more transcripts); c.1763A>G, p.Lys588Arg (NM_001407653.1, NM_001407654.1, NM_001407655.1 and 4 more transcripts); and 40 more; short protein forms K614R, K567R, K318R, K446R, K486R, K502R, K503R, K544R.
Identifiers: ClinVar variation 820172 (VCV000820172.28), dbSNP rs1597873869, ClinGen allele CA10598336.